The following is an entry in ClinVar:

ClinVar aggregate classification (germline): Uncertain significance (1 of 4 stars; one submission).

Conditions:
Hereditary cancer-predisposing syndrome. Also called: Hereditary Cancer Syndrome; Hereditary neoplastic syndrome; Tumor predisposition; Neoplastic Syndromes, Hereditary. Identifiers: Orphanet 140162, MedGen C0027672, MeSH D009386, MONDO:0015356.

Submission:

Ambry Genetics
Classification: Uncertain significance for Hereditary cancer-predisposing syndrome. Last evaluated: 2022-10-06. Review status: criteria provided, single submitter. Criteria: Ambry Variant Classification Scheme 2023. Collection method: clinical testing. Allele origin: germline.
Comment: The p.L786F variant (also known as c.2358G>C), located in coding exon 9 of the AXIN2 gene, results from a G to C substitution at nucleotide position 2358. The leucine at codon 786 is replaced by phenylalanine, an amino acid with highly similar properties. This amino acid position is highly conserved in available vertebrate species. In addition, the in silico prediction for this alteration is inconclusive. Since supporting evidence is limited at this time, the clinical significance of this alteration remains unclear.

NM_004655.4(AXIN2):c.2358G>C (p.Leu786Phe)

Gene: AXIN2 (axin 2; minus strand). Cytogenetic location: 17q24.1.
Variant type: single nucleotide variant.
Coding change: c.2358G>C on transcript NM_004655.4 (MANE Select); coding-DNA position 2358, G replaced by C.
Protein change: p.Leu786Phe; replaces leucine 786 with phenylalanine.
Molecular consequence: missense variant.
Genome position (GRCh38, 1-based): chr17:65,533,959, C>G on the plus strand (G>C on the coding strand, the complement: AXIN2 is on the minus strand). VCF-style: chr17-65533959-C-G. GRCh37 (hg19) VCF-style: chr17-63530077-C-G.
Other names: c.2163G>C, p.Leu721Phe (NM_001363813.1); short protein forms L721F, L786F.
Identifiers: ClinVar variation 1790104 (VCV001790104.2), dbSNP rs2509388835, ClinGen allele CA400675422.
Genomic context (GRCh38, chr17:65,533,959, plus strand): 5'-ACAGGACTCTTACCTATAATTTCCCTTTTTGCTGAGCTGCTCTTTAAAGTGGCCCAGGGT[C>G]AAGCTCTGAGCCTTCAGCATCCTCCGGTATGGAATTTCTTCCCCACAGAAAAAGTAAGTG-3'
Protein context (NP_004646.3, residues 776-796): PYRRMLKAQS[Leu786Phe]TLGHFKEQLS